The following is an entry in ClinVar:

ClinVar aggregate classification (germline): Likely benign. Review status: reviewed by expert panel (3 of 4 stars). 6 submissions from 6 submitters: Likely benign (1). 5 of the submissions do not count toward it. Last evaluated 2017-06-29.

Conditions:
Hereditary breast ovarian cancer syndrome. Also called: Hereditary breast and ovarian cancer syndrome; Hereditary breast and ovarian cancer; Hereditary breast and ovarian cancer syndrome (HBOC); Breast and ovarian cancer; Hereditary breast and/or ovarian cancer syndrome; BRCA1- and BRCA2-Associated Hereditary Breast and Ovarian Cancer. Identifiers: Orphanet 145, MedGen C0677776, MeSH D061325, MONDO:0003582. Disease mechanism: loss of function.
Hereditary cancer-predisposing syndrome. Also called: Neoplastic Syndromes, Hereditary; Tumor predisposition; Hereditary neoplastic syndrome; Hereditary Cancer Syndrome. Identifiers: Orphanet 140162, MedGen C0027672, MeSH D009386, MONDO:0015356.
BRCA2-related cancer predisposition. Identifiers: MedGen CN377758, MONDO:0700269.
Breast-ovarian cancer, familial, susceptibility to, 2 (BROVCA2). Also called: BRCA2 Hereditary Breast and Ovarian Cancer. Identifiers: Orphanet 145, MedGen C2675520, MONDO:0012933, OMIM 612555. Disease mechanism: loss of function.

Allele frequency attached by ClinVar (database versions not stated): gnomAD exomes below 0.00001; ExAC 0.00001; TOPMed 0.00001.
gnomAD v4.1: 4 of 1,614,094 alleles (0.00025%); highest among the groups gnomAD compares: African/African-American, 0.0053%; no homozygotes.

Submissions (6):

Evidence-based Network for the Interpretation of Germline Mutant Alleles (ENIGMA)
Classification: Likely benign for Breast-ovarian cancer, familial, susceptibility to, 2. Last evaluated: 2017-06-29. Review status: reviewed by expert panel. Criteria: ENIGMA BRCA1/2 Classification Criteria (2017-06-29). Collection method: curation. Allele origin: germline.
Comment: Synonymous substitution variant, with low bioinformatic likelihood to result in a splicing aberration (Splicing prior probability 0.02).

Labcorp Genetics (formerly Invitae), Labcorp
Classification: Likely benign for Hereditary breast ovarian cancer syndrome. Last evaluated: 2024-11-24. Review status: criteria provided, single submitter. Criteria: Invitae Variant Classification Sherloc (09022015). Collection method: clinical testing. Allele origin: germline. Not counted in ClinVar's aggregate classification.

All of Us Research Program, National Institutes of Health
Classification: Likely benign for BRCA2-related cancer predisposition. Last evaluated: 2024-07-20. Review status: criteria provided, single submitter. Criteria: ACMG Guidelines, 2015. Collection method: clinical testing. Allele origin: germline. Inheritance: Autosomal dominant inheritance. Observed: 1 variant allele, 1 heterozygote. Not counted in ClinVar's aggregate classification.
Comment: This study involves interpretation of variants in research participants for the purpose of population health screening. Participant phenotype was not available at the time of variant classification. Additional details can be found in publication PMID: 35346344, PMCID: PMC8962531

Ambry Genetics
Classification: Likely benign for Hereditary cancer-predisposing syndrome. Last evaluated: 2019-12-30. Review status: criteria provided, single submitter. Criteria: Ambry Variant Classification Scheme 2023. Collection method: clinical testing. Allele origin: germline. Not counted in ClinVar's aggregate classification.

GeneDx
Classification: Likely benign. Last evaluated: 2019-05-28. Review status: criteria provided, single submitter. Criteria: GeneDx Variant Classification Process June 2021. Collection method: clinical testing. Allele origin: germline. Affected: yes. Not counted in ClinVar's aggregate classification.
Comment: Not observed at a significant frequency in large population cohorts (Lek et al., 2016); In-silico analysis, which includes splice predictors and evolutionary conservation, is inconclusive as to whether the variant alters gene splicing. In the absence of RNA/functional studies, the actual effect of this sequence change is unknown.; This variant is associated with the following publications: (PMID: 22034289)

Breast Cancer Information Core (BIC) (BRCA2)
Classification: Uncertain significance for Breast-ovarian cancer, familial 2. Last evaluated: 2003-10-29. Review status: no assertion criteria provided. Collection method: clinical testing. Allele origin: unknown. Affected: yes. Observed: 1 variant allele. Not counted in ClinVar's aggregate classification.

NM_000059.4(BRCA2):c.7947A>G (p.Pro2649=)

Gene: BRCA2 (BRCA2 DNA repair associated; plus strand). Cytogenetic location: 13q13.1.
Variant type: single nucleotide variant.
Coding change: c.7947A>G on transcript NM_000059.4 (MANE Select); coding-DNA position 7947, A replaced by G.
Protein change: p.Pro2649=; no amino-acid change (proline 2649 retained).
Molecular consequence: synonymous variant.
Genome position (GRCh38, 1-based): chr13:32,362,664, A>G. VCF-style: chr13-32362664-A-G. GRCh37 (hg19) VCF-style: chr13-32936801-A-G.
Other names: P2649P.
Identifiers: ClinVar variation 52445 (VCV000052445.17), dbSNP rs80359799, ClinGen allele CA025349.